The following is an entry in ClinVar:

ClinVar aggregate classification (germline): Uncertain significance. Review status: criteria provided, multiple submitters, no conflicts (2 of 4 stars). 2 submissions from 2 submitters: Uncertain significance (2). Last evaluated 2024-10-24.

Conditions:
Inborn genetic diseases. Identifiers: MedGen C0950123, MeSH D030342.

Allele frequency attached by ClinVar (database versions not stated): gnomAD 0.00001; TOPMed 0.00001; gnomAD exomes 0.00002; ExAC 0.00004; 1000 Genomes Project 30x 0.00031.
gnomAD v4.1: 38 of 1,576,700 alleles (0.0024%); highest among the groups gnomAD compares: Admixed American, 0.0055%; no homozygotes.

Submissions (2):

Labcorp Genetics (formerly Invitae), Labcorp
Classification: Uncertain significance. Last evaluated: 2024-10-24. Review status: criteria provided, single submitter. Criteria: Invitae Variant Classification Sherloc (09022015). Collection method: clinical testing. Allele origin: germline.
Comment: This sequence change replaces arginine, which is basic and polar, with cysteine, which is neutral and slightly polar, at codon 129 of the TELO2 protein (p.Arg129Cys). The frequency data for this variant in the population databases is considered unreliable, as metrics indicate poor data quality at this position in the gnomAD database. This variant has not been reported in the literature in individuals affected with TELO2-related conditions. ClinVar contains an entry for this variant (Variation ID: 2223198). Invitae Evidence Modeling of protein sequence and biophysical properties (such as structural, functional, and spatial information, amino acid conservation, physicochemical variation, residue mobility, and thermodynamic stability) indicates that this missense variant is not expected to disrupt TELO2 protein function with a negative predictive value of 95%. In summary, the available evidence is currently insufficient to determine the role of this variant in disease. Therefore, it has been classified as a Variant of Uncertain Significance.

Ambry Genetics
Classification: Uncertain significance for Inborn genetic diseases. Last evaluated: 2021-09-01. Review status: criteria provided, single submitter. Criteria: Ambry Variant Classification Scheme 2023. Collection method: clinical testing. Allele origin: germline.

NM_016111.4(TELO2):c.385C>T (p.Arg129Cys)

Gene: TELO2 (telomere maintenance 2; plus strand). Cytogenetic location: 16p13.3.
Variant type: single nucleotide variant.
Coding change: c.385C>T on transcript NM_016111.4 (MANE Select); coding-DNA position 385, C replaced by T.
Protein change: p.Arg129Cys; replaces arginine 129 with cysteine.
Molecular consequence: missense variant.
Genome position (GRCh38, 1-based): chr16:1,495,395, C>T. VCF-style: chr16-1495395-C-T. GRCh37 (hg19) VCF-style: chr16-1545396-C-T.
Other names: c.385C>T, p.Arg129Cys (NM_001351846.2); short protein forms R129C.
Identifiers: ClinVar variation 2223198 (VCV002223198.3), dbSNP rs771811424, ClinGen allele CA7811621.